The following is an entry in ClinVar:

NM_002485.5(NBN):c.1997A>C (p.Asn666Thr)

Gene: NBN (nibrin; minus strand). Cytogenetic location: 8q21.3.
Variant type: single nucleotide variant.
Coding change: c.1997A>C on transcript NM_002485.5 (MANE Select); coding-DNA position 1997, A replaced by C.
Protein change: p.Asn666Thr; replaces asparagine 666 with threonine.
Molecular consequence: missense variant.
Genome position (GRCh38, 1-based): chr8:89,946,213, T>G on the plus strand (A>C on the coding strand, the complement: NBN is on the minus strand). VCF-style: chr8-89946213-T-G. GRCh37 (hg19) VCF-style: chr8-90958441-T-G.
Other names: c.1751A>C, p.Asn584Thr (NM_001024688.3); short protein forms N584T, N666T.
Identifiers: ClinVar variation 1332498 (VCV001332498.6), dbSNP rs2129647636, ClinGen allele CA371676470.
Genomic context (GRCh38, chr8:89,946,213, plus strand): 5'-TTGAAATTTTTTAGTTGACCATAATCATCATTTATGCCAGATGGATTTCTGGAAGTAGAG[T>G]TTTTAATCACCAGTGATCTAAATTCAGTCAATAACAGCTTTTTTGGAAGCATCTCACTAT-3'
Protein context (NP_002476.2, residues 656-676): LTEFRSLVIK[Asn666Thr]STSRNPSGIN

ClinVar aggregate classification (germline): Uncertain significance. Review status: criteria provided, multiple submitters, no conflicts (2 of 4 stars). 2 submissions from 2 submitters: Uncertain significance (2). Last evaluated 2024-02-28.

Conditions:
Hereditary cancer-predisposing syndrome. Also called: Hereditary Cancer Syndrome; Hereditary neoplastic syndrome; Neoplastic Syndromes, Hereditary; Tumor predisposition. Identifiers: Orphanet 140162, MedGen C0027672, MeSH D009386, MONDO:0015356.
Microcephaly, normal intelligence and immunodeficiency (NBS). Also called: Nijmegen breakage syndrome; Microcephaly with normal intelligence immunodeficiency and lymphoreticular malignancies; Nonsyndromal microcephaly autosomal recessive with normal intelligence; Seemanova syndrome 2; IMMUNODEFICIENCY, MICROCEPHALY, AND CHROMOSOMAL INSTABILITY; SEEMANOVA SYNDROME II. Identifiers: Orphanet 647, MedGen C0398791, MONDO:0009623, OMIM 251260.

Submissions (2):

Ambry Genetics
Classification: Uncertain significance for Hereditary cancer-predisposing syndrome. Last evaluated: 2024-02-28. Review status: criteria provided, single submitter. Criteria: Ambry Variant Classification Scheme 2023. Collection method: clinical testing. Allele origin: germline.
Comment: The p.N666T variant (also known as c.1997A>C), located in coding exon 13 of the NBN gene, results from an A to C substitution at nucleotide position 1997. The asparagine at codon 666 is replaced by threonine, an amino acid with similar properties. This amino acid position is not well conserved in available vertebrate species. In addition, this alteration is predicted to be tolerated by in silico analysis. Since supporting evidence is limited at this time, the clinical significance of this alteration remains unclear.

Labcorp Genetics (formerly Invitae), Labcorp
Classification: Uncertain significance for Microcephaly, normal intelligence and immunodeficiency. Last evaluated: 2022-07-22. Review status: criteria provided, single submitter. Criteria: Invitae Variant Classification Sherloc (09022015). Collection method: clinical testing. Allele origin: germline.
Comment: This sequence change replaces asparagine, which is neutral and polar, with threonine, which is neutral and polar, at codon 666 of the NBN protein (p.Asn666Thr). This variant is not present in population databases (gnomAD no frequency). This variant has not been reported in the literature in individuals affected with NBN-related conditions. ClinVar contains an entry for this variant (Variation ID: 1332498). Algorithms developed to predict the effect of missense changes on protein structure and function (SIFT, PolyPhen-2, Align-GVGD) all suggest that this variant is likely to be tolerated. In summary, the available evidence is currently insufficient to determine the role of this variant in disease. Therefore, it has been classified as a Variant of Uncertain Significance.